The following is an entry in ClinVar:

NM_000288.4(PEX7):c.122_123del (p.Gly41fs)

Gene: PEX7 (peroxisomal biogenesis factor 7; plus strand). Cytogenetic location: 6q23.3.
Variant type: Deletion.
Coding change: c.122_123del on transcript NM_000288.4 (MANE Select); coding-DNA positions 122 to 123, 2 bases deleted (GC; older notation c.122_123delGC).
Protein change: p.Gly41fs; shifts the reading frame from glycine 41.
Molecular consequence: frameshift variant.
Genome position (GRCh38, 1-based): chr6:136,822,787-136,822,788, GC deleted. VCF-style (leftmost placement, unchanged base first): chr6-136822786-GGC-G. GRCh37 (hg19) VCF-style: chr6-137143924-GGC-G.
Other names: short protein forms G41fs.
Identifiers: ClinVar variation 1726323 (VCV001726323.2), dbSNP rs2548068920, ClinGen allele CA2580075083.

ClinVar aggregate classification (germline): Likely pathogenic (1 of 4 stars; one submission).

Conditions:
Rhizomelic chondrodysplasia punctata type 1 (RCDP1). Also called: PEROXISOME BIOGENESIS DISORDER 9; CHONDRODYSTROPHIA CALCIFICANS PUNCTATA; PEX7-Related Rhizomelic Chondrodysplasia Punctata. Identifiers: Orphanet 177, Orphanet 309789, MedGen C1859133, MONDO:0008972, OMIM 215100. Disease mechanism: loss of function.

Submission:

Myriad Genetics, Inc.
Classification: Likely pathogenic for Rhizomelic chondrodysplasia punctata type 1. Last evaluated: 2021-12-16. Review status: criteria provided, single submitter. Criteria: Myriad Women's Health Autosomal Recessive and X-Linked Classification Criteria (2021). Collection method: clinical testing. Allele origin: unknown.
Comment: NM_000288.3(PEX7):c.122_123delGC(G41Dfs*14) is expected to be pathogenic in the context of rhizomelic chondrodysplasia punctata type 1. This variant is predicted to lead to an abnormal or absent protein product due to the creation of a premature termination codon in PEX7, a gene where loss-of-function variants are known to be pathogenic. Please note: this variant was assessed in the context of healthy population screening.